The following is an entry in ClinVar:

ClinVar aggregate classification (germline): Pathogenic (1 of 4 stars; one submission).

Submission:

CeGaT Center for Human Genetics Tuebingen
Classification: Pathogenic. Last evaluated: 2022-07-01. Review status: criteria provided, single submitter. Criteria: CeGaT Center For Human Genetics Tuebingen Variant Classification Criteria Version 2. Collection method: clinical testing. Allele origin: germline. Affected: yes. Observed: 1 variant allele.
Comment: KDM5B: PVS1, PM2

NM_006618.5(KDM5B):c.1354G>T (p.Glu452Ter)

Gene: KDM5B (lysine demethylase 5B; minus strand). Cytogenetic location: 1q32.1.
Variant type: single nucleotide variant.
Coding change: c.1354G>T on transcript NM_006618.5 (MANE Select); coding-DNA position 1354, G replaced by T.
Protein change: p.Glu452Ter; replaces glutamic acid 452 with a stop codon.
Molecular consequence: nonsense.
Genome position (GRCh38, 1-based): chr1:202,756,360, C>A on the plus strand (G>T on the coding strand, the complement: KDM5B is on the minus strand). VCF-style: chr1-202756360-C-A. GRCh37 (hg19) VCF-style: chr1-202725488-C-A.
Other names: c.1462G>T, p.Glu488Ter (NM_001314042.2); c.1219G>T, p.Glu407Ter (NM_001347591.2); c.1339G>T, p.Glu447Ter (NM_001399817.1); short protein forms E407*, E447*, E452*, E488*.
Identifiers: ClinVar variation 2639803 (VCV002639803.24), dbSNP rs2527542588, ClinGen allele CA344271011.
Genomic context (GRCh38, chr1:202,756,360, plus strand): 5'-AGCCAACCAAACAGAATTTCAATAAATACCTCAATTTCCAAGCCACTTATATGCCTACCT[C>A]TTCCTCAGGTGAGAGTTTGATTTTCCCATCTCGGACAGGAAAGCCACTGCCAAATTCCTT-3'